The following is an entry in ClinVar:

ClinVar aggregate classification (germline): Uncertain significance (1 of 4 stars; one submission).

Conditions:
Vici syndrome (VICIS). Identifiers: Orphanet 1493, MedGen C1855772, MONDO:0009452, OMIM 242840.

Allele frequency attached by ClinVar (database versions not stated): TOPMed 0.00001.
gnomAD v4.1: 96 of 1,614,068 alleles (0.0059%); highest among the groups gnomAD compares: Non-Finnish European, 0.0021%; no homozygotes.

Submission:

Labcorp Genetics (formerly Invitae), Labcorp
Classification: Uncertain significance for Vici syndrome. Last evaluated: 2022-02-04. Review status: criteria provided, single submitter. Criteria: Invitae Variant Classification Sherloc (09022015). Collection method: clinical testing. Allele origin: germline.
Comment: This sequence change replaces isoleucine, which is neutral and non-polar, with threonine, which is neutral and polar, at codon 1346 of the EPG5 protein (p.Ile1346Thr). This variant is present in population databases (rs201968905, gnomAD 0.1%). This variant has not been reported in the literature in individuals affected with EPG5-related conditions. ClinVar contains an entry for this variant (Variation ID: 863024). Algorithms developed to predict the effect of missense changes on protein structure and function output the following: SIFT: "Tolerated"; PolyPhen-2: "Benign"; Align-GVGD: "Class C0". The threonine amino acid residue is found in multiple mammalian species, which suggests that this missense change does not adversely affect protein function. In summary, the available evidence is currently insufficient to determine the role of this variant in disease. Therefore, it has been classified as a Variant of Uncertain Significance.

NM_020964.3(EPG5):c.4037T>C (p.Ile1346Thr)

Gene: EPG5 (ectopic P-granules 5 autophagy tethering factor; minus strand). Cytogenetic location: 18q21.1.
Variant type: single nucleotide variant.
Coding change: c.4037T>C on transcript NM_020964.3 (MANE Select); coding-DNA position 4037, T replaced by C.
Protein change: p.Ile1346Thr; replaces isoleucine 1346 with threonine.
Molecular consequence: missense variant.
Genome position (GRCh38, 1-based): chr18:45,910,689, A>G on the plus strand (T>C on the coding strand, the complement: EPG5 is on the minus strand). VCF-style: chr18-45910689-A-G. GRCh37 (hg19) VCF-style: chr18-43490654-A-G.
Other names: short protein forms I1346T.
Identifiers: ClinVar variation 863024 (VCV000863024.8), dbSNP rs201968905, ClinGen allele CA8948995.